The following is an entry in ClinVar:

ClinVar aggregate classification (germline): Uncertain significance (1 of 4 stars; one submission).

Submission:

Labcorp Genetics (formerly Invitae), Labcorp
Classification: Uncertain significance. Last evaluated: 2022-05-27. Review status: criteria provided, single submitter. Criteria: Invitae Variant Classification Sherloc (09022015). Collection method: clinical testing. Allele origin: germline.
Comment: This variant, c.2018_2026del, results in the deletion of 3 amino acid(s) of the TCIRG1 protein (p.Glu673_Lys675del), but otherwise preserves the integrity of the reading frame. This variant is present in population databases (rs770030719, gnomAD 0.007%). This variant has not been reported in the literature in individuals affected with TCIRG1-related conditions. Algorithms developed to predict the effect of sequence changes on RNA splicing suggest that this variant may create or strengthen a splice site. In summary, the available evidence is currently insufficient to determine the role of this variant in disease. Therefore, it has been classified as a Variant of Uncertain Significance.

NM_006019.4(TCIRG1):c.2018_2026del (p.Glu673_Lys675del)

Gene: TCIRG1 (T cell immune regulator 1, ATPase H+ transporting V0 subunit a3; plus strand). Cytogenetic location: 11q13.2.
Variant type: Deletion.
Coding change: c.2018_2026del on transcript NM_006019.4 (MANE Select); coding-DNA positions 2018 to 2026, 9 bases deleted (AAAACAAGG; older notation c.2018_2026delAAAACAAGG).
Protein change: p.Glu673_Lys675del.
Molecular consequence: inframe deletion.
Genome position (GRCh38, 1-based): chr11:68,049,966-68,049,974, AAAACAAGG deleted; deleting any 9 consecutive bases within chr11:68,049,963-68,049,974 gives the same sequence; the c. name uses the placement nearest the transcript's 3' end. VCF-style (leftmost placement, unchanged base first): chr11-68049962-GAGGAAAACA-G. GRCh37 (hg19) VCF-style: chr11-67817429-GAGGAAAACA-G.
Other names: c.1124_1132del, p.Glu375_Lys377del (NM_001351059.2); c.1370_1378del, p.Glu457_Lys459del (NM_006053.4).
Identifiers: ClinVar variation 2157096 (VCV002157096.1), dbSNP rs770030719, ClinGen allele CA6147368.